The following is an entry in ClinVar:

ClinVar aggregate classification (germline): Uncertain significance. Review status: criteria provided, multiple submitters, no conflicts (2 of 4 stars). 2 submissions from 2 submitters: Uncertain significance (2). Last evaluated 2025-04-24.

Conditions:
Muscular dystrophy-dystroglycanopathy (congenital with brain and eye anomalies), type A, 7. Also called: WALKER-WARBURG SYNDROME OR MUSCLE-EYE-BRAIN DISEASE, ISPD-RELATED; Congenital muscular dystrophy-dystroglycanopathy with brain and eye anomalies, type A7. Identifiers: Orphanet 899, MedGen C3553330, MONDO:0013835, OMIM 614643.
Autosomal recessive limb-girdle muscular dystrophy type 2U. Also called: Muscular dystrophy-dystroglycanopathy (limb-girdle), type c, 7; MUSCULAR DYSTROPHY, LIMB-GIRDLE, TYPE 2U. Identifiers: Orphanet 352479, MedGen C5190987, MONDO:0014474, OMIM 616052.

Allele frequency attached by ClinVar (database versions not stated): gnomAD 0.00001; gnomAD exomes 0.00001; TOPMed 0.00002.
gnomAD v4.1: 5 of 1,601,446 alleles (0.00031%); highest among the groups gnomAD compares: African/African-American, 0.0054%; no homozygotes.

Submissions (2):

Ambry Genetics
Classification: Uncertain significance. Last evaluated: 2025-04-24. Review status: criteria provided, single submitter. Criteria: Ambry Variant Classification Scheme 2023. Collection method: clinical testing. Allele origin: germline.

Labcorp Genetics (formerly Invitae), Labcorp
Classification: Uncertain significance for Muscular dystrophy-dystroglycanopathy (congenital with brain and eye anomalies), type A, 7; Autosomal recessive limb-girdle muscular dystrophy type 2U. Last evaluated: 2022-08-03. Review status: criteria provided, single submitter. Criteria: Invitae Variant Classification Sherloc (09022015). Collection method: clinical testing. Allele origin: germline.
Comment: This sequence change replaces isoleucine, which is neutral and non-polar, with valine, which is neutral and non-polar, at codon 183 of the ISPD protein (p.Ile183Val). This variant is present in population databases (no rsID available, gnomAD 0.01%). This variant has not been reported in the literature in individuals affected with ISPD-related conditions. ClinVar contains an entry for this variant (Variation ID: 1680783). Algorithms developed to predict the effect of missense changes on protein structure and function output the following: SIFT: "Tolerated"; PolyPhen-2: "Benign"; Align-GVGD: "Class C0". The valine amino acid residue is found in multiple mammalian species, which suggests that this missense change does not adversely affect protein function. In summary, the available evidence is currently insufficient to determine the role of this variant in disease. Therefore, it has been classified as a Variant of Uncertain Significance.

NM_001101426.4(CRPPA):c.547A>G (p.Ile183Val)

Gene: CRPPA (CDP-L-ribitol pyrophosphorylase A; minus strand). Cytogenetic location: 7p21.2.
Variant type: single nucleotide variant.
Coding change: c.547A>G on transcript NM_001101426.4 (MANE Select); coding-DNA position 547, A replaced by G.
Protein change: p.Ile183Val; replaces isoleucine 183 with valine.
Molecular consequence: missense variant. On other transcripts: non-coding transcript variant (1), intron variant (1).
Genome position (GRCh38, 1-based): chr7:16,376,229, T>C on the plus strand (A>G on the coding strand, the complement: CRPPA is on the minus strand). VCF-style: chr7-16376229-T-C. GRCh37 (hg19) VCF-style: chr7-16415854-T-C.
Other names: c.547A>G (NM_001101426.3); c.547A>G, p.Ile183Val (NM_001368197.1); c.534+29832A>G (NM_001101417.4); short protein forms I183V.
Identifiers: ClinVar variation 1680783 (VCV001680783.4), dbSNP rs1330602558, ClinGen allele CA367002318.